The following is an entry in ClinVar:

ClinVar aggregate classification (germline): Uncertain significance (1 of 4 stars; one submission).

Submission:

Ambry Genetics
Classification: Uncertain significance. Last evaluated: 2026-05-28. Review status: criteria provided, single submitter. Criteria: Ambry Variant Classification Scheme 2023. Collection method: clinical testing. Allele origin: germline.
Comment: The p.H850Y variant (also known as c.2548C>T), located in coding exon 1 of the TET2 gene, results from a C to T substitution at nucleotide position 2548. The histidine at codon 850 is replaced by tyrosine, an amino acid with similar properties. This amino acid position is conserved. In addition, this alteration is predicted to be tolerated by in silico analysis. Based on the available evidence, the clinical significance of this variant remains unclear.

NM_001127208.3(TET2):c.2548C>T (p.His850Tyr)

Genes: TET2 (tet methylcytosine dioxygenase 2; plus strand), TET2-AS1 (TET2 antisense RNA 1; minus strand). Cytogenetic location: 4q24.
Variant type: single nucleotide variant.
Coding change: c.2548C>T on transcript NM_001127208.3 (MANE Select); coding-DNA position 2548, C replaced by T.
Protein change: p.His850Tyr; replaces histidine 850 with tyrosine.
Molecular consequence: missense variant.
Genome position (GRCh38, 1-based): chr4:105,236,490, C>T. VCF-style: chr4-105236490-C-T. GRCh37 (hg19) VCF-style: chr4-106157647-C-T.
Other names: c.2548C>T, p.His850Tyr (NM_017628.4); short protein forms H850Y.
Identifiers: ClinVar variation 4865592 (VCV004865592.1).